The following is an entry in ClinVar:

NM_018489.3(ASH1L):c.8723C>A (p.Pro2908His)

Gene: ASH1L (ASH1 like histone lysine methyltransferase; minus strand). Cytogenetic location: 1q22.
Variant type: single nucleotide variant.
Coding change: c.8723C>A on transcript NM_018489.3 (MANE Select); coding-DNA position 8723, C replaced by A.
Protein change: p.Pro2908His; replaces proline 2908 with histidine.
Molecular consequence: missense variant.
Genome position (GRCh38, 1-based): chr1:155,338,169, G>T on the plus strand (C>A on the coding strand, the complement: ASH1L is on the minus strand). VCF-style: chr1-155338169-G-T. GRCh37 (hg19) VCF-style: chr1-155307960-G-T.
Other names: c.8738C>A, p.Pro2913His (NM_001366177.2); short protein forms P2908H, P2913H.
Identifiers: ClinVar variation 3239290 (VCV003239290.19), dbSNP rs777719270.

ClinVar aggregate classification (germline): Uncertain significance (1 of 4 stars; one submission).

Allele frequency attached by ClinVar (database versions not stated): ExAC 0.00001; TOPMed 0.00001.
gnomAD v4.1: 8 of 1,613,960 alleles (0.0005%); highest among the groups gnomAD compares: Non-Finnish European, 0.00017%; no homozygotes.

Submission:

CeGaT Center for Human Genetics Tuebingen
Classification: Uncertain significance. Last evaluated: 2024-05-01. Review status: criteria provided, single submitter. Criteria: CeGaT Center For Human Genetics Tuebingen Variant Classification Criteria Version 2. Collection method: clinical testing. Allele origin: germline. Affected: yes. Observed: 1 variant allele.
Comment: ASH1L: PM2, BP1